The following is an entry in ClinVar:

ClinVar aggregate classification (germline): Uncertain significance. Review status: criteria provided, multiple submitters, no conflicts (2 of 4 stars). 2 submissions from 2 submitters: Uncertain significance (2). Last evaluated 2024-04-26.

Allele frequency attached by ClinVar (database versions not stated): ExAC 0.00003; gnomAD exomes 0.00003 and 0.00008; TOPMed 0.00004; gnomAD 0.00005; ESP Exome Variant Server 0.00008.

Submissions (2):

Blueprint Genetics
Classification: Uncertain significance. Last evaluated: 2024-04-26. Review status: criteria provided, single submitter. Criteria: ACMG Guidelines, 2015. Collection method: clinical testing. Allele origin: germline.

Labcorp Genetics (formerly Invitae), Labcorp
Classification: Uncertain significance. Last evaluated: 2022-08-09. Review status: criteria provided, single submitter. Criteria: Invitae Variant Classification Sherloc (09022015). Collection method: clinical testing. Allele origin: germline.
Comment: This variant is present in population databases (rs376178481, gnomAD 0.008%). This sequence change replaces methionine, which is neutral and non-polar, with isoleucine, which is neutral and non-polar, at codon 1773 of the TUBGCP6 protein (p.Met1773Ile). This variant has not been reported in the literature in individuals affected with TUBGCP6-related conditions. In summary, the available evidence is currently insufficient to determine the role of this variant in disease. Therefore, it has been classified as a Variant of Uncertain Significance. Algorithms developed to predict the effect of missense changes on protein structure and function are either unavailable or do not agree on the potential impact of this missense change (SIFT: "Deleterious"; PolyPhen-2: "Probably Damaging"; Align-GVGD: "Class C0"). ClinVar contains an entry for this variant (Variation ID: 1509500).

NM_020461.4(TUBGCP6):c.5319G>A (p.Met1773Ile)

Gene: TUBGCP6 (tubulin gamma complex component 6; minus strand). Cytogenetic location: 22q13.33.
Variant type: single nucleotide variant.
Coding change: c.5319G>A on transcript NM_020461.4 (MANE Select); coding-DNA position 5319, G replaced by A.
Protein change: p.Met1773Ile; replaces methionine 1773 with isoleucine.
Molecular consequence: missense variant.
Genome position (GRCh38, 1-based): chr22:50,217,967, C>T on the plus strand (G>A on the coding strand, the complement: TUBGCP6 is on the minus strand). VCF-style: chr22-50217967-C-T. GRCh37 (hg19) VCF-style: chr22-50656396-C-T.
Other names: short protein forms M1773I.
Identifiers: ClinVar variation 1509500 (VCV001509500.8), dbSNP rs376178481, ClinGen allele CA10307076.
Genomic context (GRCh38, chr22:50,217,967, plus strand): 5'-GTGGGCCTCACCTTTGAAGAGAAAGTGGGAGTAGTACTTGAAGGTGTTGTAGGACTGCTG[C>T]ATGAGTGCAAAGTTGGGGTGCTCTGCACCCCGCGGGCCCCCAGGGGGCCCCCAGGCCTGG-3'
Protein context (NP_065194.3, residues 1763-1783): RGAEHPNFAL[Met1773Ile]QQSYNTFKYY